The following is an entry in ClinVar:

ClinVar aggregate classification (germline): Uncertain significance (1 of 4 stars; one submission).

Conditions:
Brugada syndrome. Also called: Sudden unexpected nocturnal death syndrome; Sudden unexplained nocturnal death syndrome; Sudden Unexplained Death Syndrome; Sudden Unexplained Nocturnal Death Syndrome (SUNDS). Identifiers: Orphanet 130, MedGen C1142166, MONDO:0015263.

Submission:

Labcorp Genetics (formerly Invitae), Labcorp
Classification: Uncertain significance for Brugada syndrome. Last evaluated: 2025-06-22. Review status: criteria provided, single submitter. Criteria: Invitae Variant Classification Sherloc (09022015). Collection method: clinical testing. Allele origin: germline.
Comment: This sequence change replaces alanine, which is neutral and non-polar, with valine, which is neutral and non-polar, at codon 35 of the SLMAP protein (p.Ala35Val). This variant is not present in population databases (gnomAD no frequency). This variant has not been reported in the literature in individuals affected with SLMAP-related conditions. An algorithm developed to predict the effect of missense changes on protein structure and function (PolyPhen-2) suggests that this variant is likely to be disruptive. In summary, the available evidence is currently insufficient to determine the role of this variant in disease. Therefore, it has been classified as a Variant of Uncertain Significance.

NM_001377540.1(SLMAP):c.104C>T (p.Ala35Val)

Gene: SLMAP (sarcolemma associated protein; plus strand). Cytogenetic location: 3p14.3.
Variant type: single nucleotide variant.
Coding change: c.104C>T on transcript NM_001377540.1 (MANE Select); coding-DNA position 104, C replaced by T.
Protein change: p.Ala35Val; replaces alanine 35 with valine.
Molecular consequence: missense variant. On other transcripts: non-coding transcript variant (1).
Genome position (GRCh38, 1-based): chr3:57,757,755, C>T. VCF-style: chr3-57757755-C-T. GRCh37 (hg19) VCF-style: chr3-57743482-C-T.
Other names: c.104C>T, p.Ala35Val (NM_001304420.3, NM_001304421.2, NM_001377538.1 and 17 more transcripts); short protein forms A35V.
Identifiers: ClinVar variation 4721848 (VCV004721848.1).